The following is an entry in ClinVar:

ClinVar aggregate classification (germline): Likely benign. Review status: criteria provided, multiple submitters, no conflicts (2 of 4 stars). 2 submissions from 2 submitters: Likely benign (2). Last evaluated 2026-03-01.

Conditions:
Congenital sideroblastic anemia-B-cell immunodeficiency-periodic fever-developmental delay syndrome. Also called: Sideroblastic anemia with B-cell immunodeficiency, periodic fevers, and developmental delay. Identifiers: Orphanet 369861, MedGen C4015172, MONDO:0014487, OMIM 616084.

Allele frequency attached by ClinVar (database versions not stated): gnomAD exomes below 0.00001; ExAC 0.00001; gnomAD 0.00001; TOPMed 0.00001.
gnomAD v4.1: 3 of 1,613,862 alleles (0.00019%); highest among the groups gnomAD compares: Non-Finnish European, 0.00025%; no homozygotes.

Submissions (2):

CeGaT Center for Human Genetics Tuebingen
Classification: Likely benign. Last evaluated: 2026-03-01. Review status: criteria provided, single submitter. Criteria: CeGaT Center For Human Genetics Tuebingen Variant Classification Criteria Version 2. Collection method: clinical testing. Allele origin: germline. Affected: yes. Observed: 1 variant allele.
Comment: TRNT1: BP4, BP7

Labcorp Genetics (formerly Invitae), Labcorp
Classification: Likely benign for Congenital sideroblastic anemia-B-cell immunodeficiency-periodic fever-developmental delay syndrome. Last evaluated: 2025-04-11. Review status: criteria provided, single submitter. Criteria: Invitae Variant Classification Sherloc (09022015). Collection method: clinical testing. Allele origin: germline.

NM_182916.3(TRNT1):c.876A>G (p.Pro292=)

Gene: TRNT1 (tRNA nucleotidyl transferase 1; plus strand). Cytogenetic location: 3p26.2.
Variant type: single nucleotide variant.
Coding change: c.876A>G on transcript NM_182916.3 (MANE Select); coding-DNA position 876, A replaced by G.
Protein change: p.Pro292=; no amino-acid change (proline 292 retained).
Molecular consequence: synonymous variant. On other transcripts: non-coding transcript variant (8).
Genome position (GRCh38, 1-based): chr3:3,147,523, A>G. VCF-style: chr3-3147523-A-G. GRCh37 (hg19) VCF-style: chr3-3189207-A-G.
Other names: c.816A>G, p.Pro272= (NM_001302946.2); c.876A>G, p.Pro292= (NM_001367321.1, NM_001367322.1, NM_001367323.1).
Identifiers: ClinVar variation 2721683 (VCV002721683.7), dbSNP rs776003266, ClinGen allele CA2228819.